The following is an entry in ClinVar:

NM_020529.3(NFKBIA):c.879_887del (p.295_297FTE[1])

Gene: NFKBIA (NFKB inhibitor alpha; minus strand). Cytogenetic location: 14q13.2.
Variant type: Deletion.
Coding change: c.879_887del on transcript NM_020529.3 (MANE Select); coding-DNA positions 879 to 887, 9 bases deleted (AGAGTTCAC; older notation c.879_887delAGAGTTCAC).
Protein change: p.295_297FTE[1].
Molecular consequence: inframe deletion.
Genome position (GRCh38, 1-based): chr14:35,402,413-35,402,421, GTGAACTCT deleted on the plus strand (AGAGTTCAC on the coding strand, the reverse complement: NFKBIA is on the minus strand); deleting any 9 consecutive bases within chr14:35,402,413-35,402,422 gives the same sequence; the c. name uses the placement nearest the transcript's 3' end. VCF-style (leftmost placement, unchanged base first): chr14-35402412-CGTGAACTCT-C. GRCh37 (hg19) VCF-style: chr14-35871618-CGTGAACTCT-C.
Identifiers: ClinVar variation 859175 (VCV000859175.10), dbSNP rs1566589938, ClinGen allele CA613804497.

ClinVar aggregate classification (germline): Uncertain significance (1 of 4 stars; one submission).

Conditions:
Ectodermal dysplasia and immunodeficiency 2. Identifiers: Orphanet 238468, Orphanet 98813, MedGen C2677481, MONDO:0012806, OMIM 612132.

Submission:

Labcorp Genetics (formerly Invitae), Labcorp
Classification: Uncertain significance for Ectodermal dysplasia and immunodeficiency 2. Last evaluated: 2019-02-05. Review status: criteria provided, single submitter. Criteria: Invitae Variant Classification Sherloc (09022015). Collection method: clinical testing. Allele origin: germline.
Comment: In summary, the available evidence is currently insufficient to determine the role of this variant in disease. Therefore, it has been classified as a Variant of Uncertain Significance. Experimental studies and prediction algorithms are not available for this variant, and the functional significance of the affected amino acid(s) is currently unknown. This variant has not been reported in the literature in individuals with NFKBIA-related conditions. This variant is not present in population databases (ExAC no frequency). This variant, c.879_887del, results in the deletion of 3 amino acid(s) of the NFKBIA protein (p.Phe298_Glu300del), but otherwise preserves the integrity of the reading frame.